The following is an entry in ClinVar:

NM_001134407.3(GRIN2A):c.771C>T (p.Val257=)

Gene: GRIN2A (glutamate ionotropic receptor NMDA type subunit 2A; minus strand). Cytogenetic location: 16p13.2.
Variant type: single nucleotide variant.
Coding change: c.771C>T on transcript NM_001134407.3 (MANE Select); coding-DNA position 771, C replaced by T.
Protein change: p.Val257=; no amino-acid change (valine 257 retained).
Molecular consequence: synonymous variant.
Genome position (GRCh38, 1-based): chr16:9,938,195, G>A on the plus strand (C>T on the coding strand, the complement: GRIN2A is on the minus strand). VCF-style: chr16-9938195-G-A. GRCh37 (hg19) VCF-style: chr16-10032052-G-A.
Other names: c.771C>T, p.Val257= (NM_000833.5, NM_001134408.2).
Identifiers: ClinVar variation 2646199 (VCV002646199.24), dbSNP rs2141630803, ClinGen allele CA493702180.

ClinVar aggregate classification (germline): Likely benign (1 of 4 stars; one submission).

Submission:

CeGaT Center for Human Genetics Tuebingen
Classification: Likely benign. Last evaluated: 2023-05-01. Review status: criteria provided, single submitter. Criteria: CeGaT Center For Human Genetics Tuebingen Variant Classification Criteria Version 2. Collection method: clinical testing. Allele origin: germline. Affected: yes. Observed: 1 variant allele.
Comment: GRIN2A: PM2:Supporting, BP4, BP7